The following is an entry in ClinVar:

NM_003119.4(SPG7):c.1A>C (p.Met1Leu)

Genes: SPG7 (SPG7 matrix AAA peptidase subunit, paraplegin; plus strand), LOC130059818 (ATAC-STARR-seq lymphoblastoid silent region 7911; plus strand). Cytogenetic location: 16q24.3.
Variant type: single nucleotide variant.
Coding change: c.1A>C on transcript NM_003119.4 (MANE Select); coding-DNA position 1, A replaced by C.
Protein change: p.Met1Leu; changes the start codon (methionine 1).
Molecular consequence: missense variant, initiator codon variant.
Genome position (GRCh38, 1-based): chr16:89,508,418, A>C. VCF-style: chr16-89508418-A-C. GRCh37 (hg19) VCF-style: chr16-89574826-A-C.
Other names: c.1A>C, p.Met1Leu (NM_001363850.1, NM_199367.3); c.1A>C (NM_003119.3); short protein forms M1L.
Identifiers: ClinVar variation 3236318 (VCV003236318.5).

ClinVar aggregate classification (germline): Pathogenic/Likely pathogenic. Review status: criteria provided, multiple submitters, no conflicts (2 of 4 stars). 4 submissions from 4 submitters: Pathogenic (3); Likely pathogenic (1). Last evaluated 2024-06-11.

Conditions:
Hereditary spastic paraplegia 7 (SPG7). Also called: Spastic paraplegia 7; Hereditary spastic paraplegia Paraplegin type; Autosomal recessive spastic paraplegia type 7; SPASTIC PARAPLEGIA 7, AUTOSOMAL RECESSIVE, WITH OR WITHOUT CEREBELLAR ATAXIA; SPG7-related neurologic disorder. Identifiers: Orphanet 99013, MedGen C1846564, MONDO:0011803, OMIM 607259.

Submissions (4):

Fulgent Genetics
Classification: Pathogenic for Hereditary spastic paraplegia 7. Last evaluated: 2024-06-11. Review status: criteria provided, single submitter. Criteria: ACMG Guidelines, 2015. Collection method: clinical testing. Allele origin: germline.

Kariminejad - Najmabadi Pathology & Genetics Center
Classification: Likely pathogenic for Hereditary spastic paraplegia 7. Last evaluated: 2024-04-17. Review status: criteria provided, single submitter. Criteria: ACMG Guidelines, 2015. Collection method: clinical testing. Allele origin: germline. Inheritance: Autosomal recessive inheritance. Affected: yes.
Comment: PS1, PM2, PVS1_Supporting

PROSPAX: an integrated multimodal progression  chart in spastic ataxias, Center for Neurology; Hertie-Institute for Clinical Brain Research
Classification: Pathogenic for Hereditary spastic paraplegia 7. Last evaluated: 2022-01-01. Review status: criteria provided, single submitter. Criteria: ACMG Guidelines, 2015. Collection method: research. Allele origin: germline. Affected: yes. Observed: 1 variant allele, 1 compound heterozygote.

Clinical Genetics Service, Universitary Hospital 12 de Octubre
Classification: Pathogenic for Hereditary spastic paraplegia 7. Review status: criteria provided, single submitter. Criteria: ACMG Guidelines, 2015. Collection method: clinical testing. Allele origin: germline. Affected: yes.